The following is an entry in ClinVar:

ClinVar aggregate classification (germline): Pathogenic. Review status: criteria provided, multiple submitters, no conflicts (2 of 4 stars). 5 submissions from 5 submitters: Pathogenic (5). Last evaluated 2026-07-01.

Conditions:
Glycogen storage disease, type II (IOPD). Also called: CARDIOMEGALIA GLYCOGENICA DIFFUSA; GLYCOGENOSIS, GENERALIZED, CARDIAC FORM; GSD II; POMPE DISEASE, INFANTILE-ONSET; GLYCOGEN STORAGE DISEASE II, INFANTILE-ONSET; ACID ALPHA-GLUCOSIDASE DEFICIENCY, INFANTILE-ONSET. Identifiers: Orphanet 365, MedGen C0017921, MONDO:0009290, OMIM 232300.

Submissions (5):

Genomenon, Inc
Classification: Pathogenic for Glycogen storage disease, type II. Last evaluated: 2026-07-01. Review status: criteria provided, single submitter. Criteria: Genomenon Sequence Variant Interpretation Standards - Updated. Collection method: curation. Allele origin: germline. Affected: yes.
Comment: GAA p.Leu811TrpfsTer37 (c.2431del) is a frameshift variant that is predicted to introduce a premature termination codon and result in a truncated or absent protein product. This variant has been observed in at least one proband with a GAA-related disorder (PMID:31392188;37701327;35071497;39273088). It is absent or not present at a significant frequency in gnomAD. In conclusion, we classify GAA p.Leu811TrpfsTer37 (c.2431del) as a pathogenic variant.

Myriad Genetics, Inc.
Classification: Pathogenic for Glycogen storage disease, type II. Last evaluated: 2025-04-02. Review status: criteria provided, single submitter. Criteria: Myriad Autosomal Dominant, Autosomal Recessive and X-Linked Classification Criteria (2023). Collection method: clinical testing. Allele origin: unknown.
Comment: NM_000152.3(GAA):c.2431delC(L811Wfs*37) is a frameshift variant classified as pathogenic in the context of Pompe disease. L811Wfs*37 has been observed in cases with relevant disease (PMID: 25526786, 38186848). Relevant functional assessments of this variant are not available in the literature. L811Wfs*37 has been observed in referenced population frequency databases. In summary, NM_000152.3(GAA):c.2431delC(L811Wfs*37) is a frameshift variant that has been observed more frequently in cases with the relevant disease than in healthy populations. Please note: this variant was assessed in the context of healthy population screening.

Natera, Inc.
Classification: Pathogenic for Glycogen storage disease type II. Last evaluated: 2024-03-22. Review status: criteria provided, single submitter. Criteria: Natera Variant Classification Schema (03/2026). Collection method: clinical testing. Allele origin: germline.
Comment: The c.2431delC variant in GAA is a frameshift variant predicted to shift the reading frame beginning at codon 811 and leads to a stop codon 37 codons downstream. This variant is expected to result in nonsense mediated decay, truncation, or a dysfunctional protein product. This variant is rare in the general population with a frequency below the threshold expected for the associated phenotype(s). This variant has been observed in one or more individuals affected with the associated recessive disease, as either homozygous or compound heterozygous with a second variant (PMID: 25526786). Given the available evidence, this variant is classified as Pathogenic.

Genetic Services Laboratory, University of Chicago
Classification: Pathogenic. Last evaluated: 2023-06-16. Review status: criteria provided, single submitter. Criteria: ACMG Guidelines, 2015. Collection method: clinical testing. Allele origin: germline. Affected: yes.
Comment: This sequence change is a single base pair deletion in exon 17 that results in an amino acid frameshift and the creation of a premature termination codon 36 amino acids downstream of the deletion. This sequence change is predicted to result in an abnormal, truncated GAA protein that is likely to affect its normal function. Loss of function is a known disease mechanism for GAA. This sequence change has previously been identified in an individual with late onset Pompe disease along with a previously reported pathogenic sequence change in the same gene (PMID: 25526786). This sequence change has been described in the gnomAD database with an overall population frequency of 0.0008%. Collectively, this evidence indicates that this sequence change is pathogenic, however functional studies have not been performed to prove this conclusively.

Revvity Omics, Revvity
Classification: Pathogenic. Last evaluated: 2019-10-15. Review status: criteria provided, single submitter. Criteria: ACMG Guidelines, 2015. Collection method: clinical testing. Allele origin: germline.

Literature cited by the submitters: PubMed 31392188 (cited by Genomenon, Inc); PubMed 37701327 (cited by Genomenon, Inc); PubMed 35071497 (cited by Genomenon, Inc); PubMed 39273088 (cited by Genomenon, Inc); PubMed 25526786 (cited by Myriad Genetics, Inc. and Natera, Inc.); PubMed 38186848 (cited by Myriad Genetics, Inc.).

NM_000152.5(GAA):c.2431del (p.Leu811fs)

Gene: GAA (alpha glucosidase; plus strand). Cytogenetic location: 17q25.3.
Variant type: Deletion.
Coding change: c.2431del on transcript NM_000152.5 (MANE Select); coding-DNA position 2431, one base deleted (C; older notation c.2431delC).
Protein change: p.Leu811fs; shifts the reading frame from leucine 811.
Molecular consequence: frameshift variant.
Genome position (GRCh38, 1-based): chr17:80,117,699, C deleted; the last of 6 consecutive C bases (chr17:80,117,694-80,117,699); deleting any one gives the same sequence. VCF-style (leftmost placement, unchanged base first): chr17-80117693-GC-G. GRCh37 (hg19) VCF-style: chr17-78091492-GC-G.
Other names: c.2431del, p.Leu811fs (NM_001079803.3, NM_001079804.3); c.2431delC (NM_000152.4); short protein forms L811fs.
Identifiers: ClinVar variation 1322958 (VCV001322958.8), dbSNP rs2143925402, ClinGen allele CA628018649.